The following is an entry in ClinVar:

NM_014855.3(AP5Z1):c.1124T>C (p.Leu375Pro)

Gene: AP5Z1 (adaptor related protein complex 5 subunit zeta 1; plus strand). Cytogenetic location: 7p22.1.
Variant type: single nucleotide variant.
Coding change: c.1124T>C on transcript NM_014855.3 (MANE Select); coding-DNA position 1124, T replaced by C.
Protein change: p.Leu375Pro; replaces leucine 375 with proline.
Molecular consequence: missense variant. On other transcripts: non-coding transcript variant (1).
Genome position (GRCh38, 1-based): chr7:4,785,676, T>C. VCF-style: chr7-4785676-T-C. GRCh37 (hg19) VCF-style: chr7-4825307-T-C.
Other names: c.656T>C, p.Leu219Pro (NM_001364858.1); short protein forms L219P, L375P.
Identifiers: ClinVar variation 2695234 (VCV002695234.3), dbSNP rs11772411, ClinGen allele CA366661562.
Genomic context (GRCh38, chr7:4,785,676, plus strand): 5'-GGCGGGTGCGCGGGGACCCGGCCTCTGTGCGGGTGCTGCTGCCCCTCGCCCACTTCTTCC[T>C]GAGCCACGGTGAGCCCAGGGTGGGGTGGCGCTGACTCGGGGCTCTGCTTCTGCCTTTAGT-3'
Protein context (NP_055670.1, residues 365-385): RVLLPLAHFF[Leu375Pro]SHGEAAAVDS

ClinVar aggregate classification (germline): Uncertain significance (1 of 4 stars; one submission).

Conditions:
Hereditary spastic paraplegia 48. Also called: SPASTIC PARAPLEGIA 48, AUTOSOMAL RECESSIVE; Spastic paraplegia 48. Identifiers: Orphanet 306511, MedGen C3150901, MONDO:0013342, OMIM 613647.

Submission:

Labcorp Genetics (formerly Invitae), Labcorp
Classification: Uncertain significance for Hereditary spastic paraplegia 48. Last evaluated: 2023-11-19. Review status: criteria provided, single submitter. Criteria: Invitae Variant Classification Sherloc (09022015). Collection method: clinical testing. Allele origin: germline.
Comment: This sequence change replaces leucine, which is neutral and non-polar, with proline, which is neutral and non-polar, at codon 375 of the AP5Z1 protein (p.Leu375Pro). This variant is not present in population databases (gnomAD no frequency). This variant has not been reported in the literature in individuals affected with AP5Z1-related conditions. Advanced modeling of protein sequence and biophysical properties (such as structural, functional, and spatial information, amino acid conservation, physicochemical variation, residue mobility, and thermodynamic stability) performed at Invitae indicates that this missense variant is expected to disrupt AP5Z1 protein function with a positive predictive value of 80%. In summary, the available evidence is currently insufficient to determine the role of this variant in disease. Therefore, it has been classified as a Variant of Uncertain Significance.